The following is an entry in ClinVar:

NM_000138.5(FBN1):c.5545+1G>C

Gene: FBN1 (fibrillin 1; minus strand). Cytogenetic location: 15q21.1.
Variant type: single nucleotide variant.
Coding change: c.5545+1G>C on transcript NM_000138.5 (MANE Select); the canonical splice donor site of the intron after coding-DNA position 5545, G replaced by C.
Molecular consequence: splice donor variant.
Genome position (GRCh38, 1-based): chr15:48,452,561, C>G on the plus strand (G>C on the coding strand, the complement: FBN1 is on the minus strand). VCF-style: chr15-48452561-C-G. GRCh37 (hg19) VCF-style: chr15-48744758-C-G.
Other names: c.5545+1G>C (NM_000138.4, NM_001406716.1).
Identifiers: ClinVar variation 3769057 (VCV003769057.2).
Genomic context (GRCh38, chr15:48,452,561, plus strand): 5'-CTGAAGCTTCATGAAGACAAACTCTTGGGTAGGCATGTCCAGCCTGTGGGGCACTACATA[C>G]CATTGCACTGTCCTGTGGAGGTGAAGCGGTAGCCGGGCTTACAGTCACAGCGGTAGCTGC-3'

ClinVar aggregate classification (germline): Likely pathogenic. Review status: criteria provided, multiple submitters, no conflicts (2 of 4 stars). 2 submissions from 2 submitters: Likely pathogenic (2). Last evaluated 2025-05-06.

Conditions:
Familial ectopia lentis. Identifiers: MedGen C2746069.
Familial thoracic aortic aneurysm and aortic dissection (TAAD). Also called: Thoracic aortic aneurysms and dissections. Identifiers: Orphanet 91387, MedGen C4707243, MONDO:0019625.

Submissions (2):

Ambry Genetics
Classification: Likely pathogenic for Familial thoracic aortic aneurysm and aortic dissection. Last evaluated: 2025-05-06. Review status: criteria provided, single submitter. Criteria: Ambry Variant Classification Scheme 2023. Collection method: clinical testing. Allele origin: germline.
Comment: The c.5545+1G>C intronic variant results from a G to C substitution one nucleotide after coding exon 44 of the FBN1 gene. Alterations that disrupt the canonical splice site are expected to result in aberrant splicing. In silico splice site analysis predicts that this alteration will weaken the native splice donor site and will result in the creation or strengthening of a novel splice donor site. A resulting transcript is predicted to be in-frame and is not expected to trigger nonsense-mediated mRNAdecay; although, direct evidence is unavailable. However, the region predicted to be impacted is critical for protein function (Ambry internal data). This variant was reported in individual(s) with features consistent with Marfan syndrome (Chen Z et al. Br J Ophthalmol, 2022 Dec;106:1655-1661). This variant is considered to be rare based on population cohorts in the Genome Aggregation Database (gnomAD). This nucleotide position is highly conserved in available vertebrate species. Based on the majority of available evidence to date, this variant is likely to be pathogenic.

Women's Health and Genetics/Laboratory Corporation of America, LabCorp
Classification: Likely pathogenic for Familial ectopia lentis. Last evaluated: 2025-02-13. Review status: criteria provided, single submitter. Criteria: LabCorp Variant Classification Summary - May 2015. Collection method: clinical testing. Allele origin: germline.
Comment: Variant summary: FBN1 c.5545+1G>C is located in a canonical splice-site and is predicted to affect mRNA splicing resulting in a significantly altered protein due to either exon skipping, shortening, or inclusion of intronic material. Variants that disrupt the consensus splice site are a relatively common cause of aberrant splicing and loss of FBN1 function. Several computational tools predict a significant impact on normal splicing: Four predict the variant abolishes a canonical 5' splicing donor site. However, these predictions have yet to be confirmed by functional studies. The frequency data for this variant in gnomAD is considered unreliable, as metrics indicate poor data quality at this position. c.5545+1G>C has been reported in the literature in an individual affected with Ectopia Lentis (Chen_2022). To our knowledge, no experimental evidence demonstrating an impact on protein function has been reported. The following publication has been ascertained in the context of this evaluation (PMID: 34281902). No submitters have cited clinical-significance assessments for this variant to ClinVar. Based on the evidence outlined above, the variant was classified as likely pathogenic.

Literature cited by the submitters: PubMed 34281902 (cited by Ambry Genetics and Women's Health and Genetics/Laboratory Corporation of America, LabCorp).